The following is an entry in ClinVar:

ClinVar aggregate classification (germline): Pathogenic (1 of 4 stars; one submission).

Conditions:
RP1-related recessive retinopathy. Identifiers: MedGen CN322605, MONDO:0800399.

Submission:

Department of Ophthalmology, Seoul National University Bundang Hospital
Classification: Pathogenic for RP1-related recessive retinopathy. Last evaluated: 2026-10-19. Review status: criteria provided, single submitter. Criteria: ACMG Guidelines, 2015. Collection method: clinical testing. Allele origin: germline. Inheritance: Autosomal recessive inheritance. Affected: yes.
Comment: Identified in a Korean multicenter RP1 cohort (PMID:42847597) with recessive cone dystrophy, cone-rod dystrophy, macular dystrophy and retinitis pigmentosa. AluY retrotransposon insertion in RP1 exon 4 with an 11-bp target-site duplication (AAAGAAAACAC), published as c.4052_4053ins328 (p.Tyr1352Alafs*9) (PMID:30913292; PMID:31253780; PMID:32193659; PMID:34183725).

Literature cited by the submitters: PubMed 42847597; PubMed 30913292; PubMed 31253780; PubMed 32193659; PubMed 34183725.

NM_006269.2:c.4052_4053insAlu

Gene: RP1 (RP1 axonemal microtubule associated; plus strand).
Variant type: Insertion.
Other names: c.4052_4053ins328; p.Tyr1352Alafs*9; c.4052_4053insAlu (NM_006269.2).
Identifiers: ClinVar variation 5042633 (VCV005042633.1).